The following is an entry in ClinVar:

NM_000531.6(OTC):c.608C>T (p.Ser203Phe)

Gene: OTC (ornithine transcarbamylase; plus strand). Cytogenetic location: Xp11.4.
Variant type: single nucleotide variant.
Coding change: c.608C>T on transcript NM_000531.6 (MANE Select); coding-DNA position 608, C replaced by T.
Protein change: p.Ser203Phe; replaces serine 203 with phenylalanine.
Molecular consequence: missense variant.
Genome position (GRCh38, 1-based): chrX:38,403,685, C>T. VCF-style: chrX-38403685-C-T. GRCh37 (hg19) VCF-style: chrX-38262938-C-T.
Other names: short protein forms S203F.
Identifiers: ClinVar variation 496026 (VCV000496026.7), dbSNP rs72558410, ClinGen allele CA412725627.
Genomic context (GRCh38, chrX:38,403,685, plus strand): 5'-ATAGCTCTCTGAAAGGTCTTACCCTCAGCTGGATCGGGGATGGGAACAATATCCTGCACT[C>T]CATCATGATGAGCGCAGCGAAATTCGGAATGCACCTTCAGGCAGCTACTCCAAAGGTAGG-3'
Protein context (NP_000522.3, residues 193-213): WIGDGNNILH[Ser203Phe]IMMSAAKFGM

ClinVar aggregate classification (germline): Conflicting classifications of pathogenicity. Review status: criteria provided, conflicting classifications (1 of 4 stars). 4 submissions from 4 submitters: Likely pathogenic (1); Uncertain significance (2). 1 of the submissions does not count toward it. Last evaluated 2021-11-07.

Conditions:
Ornithine carbamoyltransferase deficiency (OTCD). Also called: Ornithine Carbamoyltransferase Deficiency Disease; OTC DEFICIENCY; ORNITHINE TRANSCARBAMYLASE DEFICIENCY; ORNITHINE TRANSCARBAMYLASE DEFICIENCY, HYPERAMMONEMIA DUE TO. Identifiers: Orphanet 664, MedGen C0268542, MONDO:0010703, OMIM 311250.

Submissions (4):

Genome-Nilou Lab
Classification: Uncertain significance for Ornithine carbamoyltransferase deficiency. Last evaluated: 2021-11-07. Review status: criteria provided, single submitter. Criteria: ACMG Guidelines, 2015. Collection method: clinical testing. Allele origin: germline. Affected: no.

Rady Children's Institute for Genomic Medicine, Rady Children's Hospital San Diego
Classification: Likely pathogenic for Ornithine transcarbamylase deficiency. Last evaluated: 2020-09-07. Review status: criteria provided, single submitter. Criteria: ACMG Guidelines, 2015. Collection method: clinical testing. Allele origin: germline. Affected: yes.
Comment: This variant has not been previously reported or functionally characterized in the literature to our knowledge. However, a different variant affecting the same amino acid residue, c.608C>G (p.Ser203Cys), has been previously reported in an individual with Ornithine Transcarbamylase (OTC) Deficiency (PMID: 8019569). It is absent from the gnomAD population database and thus is presumed to be rare. The c.608C>T (p.Ser203Phe) variant affects a highly conserved amino acid and is predicted by multiple in silico tools to have a deleterious effect on protein function. Analysis of the parental samples was negative for the variant, indicating this variant likely occurred as a de novo event. Based on the available evidence, the c.608C>T (p.Ser203Phe) variant is classified as Likely Pathogenic.

Women's Health and Genetics/Laboratory Corporation of America, LabCorp
Classification: Uncertain significance. Last evaluated: 2016-11-16. Review status: criteria provided, single submitter. Criteria: LabCorp Variant Classification Summary - May 2015. Collection method: clinical testing. Allele origin: germline.
Comment: Variant summary: The OTC c.608C>T (p.Ser203Phe) variant involves the alteration of a conserved nucleotide. 5/5 in silico tools predict a damaging outcome for this variant. This variant is absent in 87525 control chromosomes and has not, to our knowledge, been reported in affected individuals via publications and/or reputable databases/clinical diagnostic laboratories; nor evaluated for functional impact by in vivo/vitro studies. Because of the absence of clinical information and the lack of functional studies, the variant is classified as a variant of uncertain significance (VUS) until additional information becomes available.

Molecular Genetics laboratory, Necker Hospital
Classification: Pathogenic for Ornithine carbamoyltransferase deficiency. Review status: no assertion criteria provided. Collection method: clinical testing. Allele origin: maternal. Inheritance: X-linked inheritance. Affected: yes. Not counted in ClinVar's aggregate classification.